The following is an entry in ClinVar:

NM_000465.4(BARD1):c.1382G>C (p.Gly461Ala)

Gene: BARD1 (BRCA1 associated RING domain 1; minus strand). Cytogenetic location: 2q35.
Variant type: single nucleotide variant.
Coding change: c.1382G>C on transcript NM_000465.4 (MANE Select); coding-DNA position 1382, G replaced by C.
Protein change: p.Gly461Ala; replaces glycine 461 with alanine.
Molecular consequence: missense variant. On other transcripts: non-coding transcript variant (3), intron variant (3).
Genome position (GRCh38, 1-based): chr2:214,769,245, C>G on the plus strand (G>C on the coding strand, the complement: BARD1 is on the minus strand). VCF-style: chr2-214769245-C-G. GRCh37 (hg19) VCF-style: chr2-215633969-C-G.
Other names: c.1325G>C, p.Gly442Ala (NM_001282543.2); c.159-16690G>C (NM_001282548.2); c.216-16690G>C (NM_001282545.2); c.364+23052G>C (NM_001282549.2); short protein forms G461A, G442A.
Identifiers: ClinVar variation 3479740 (VCV003479740.3).

ClinVar aggregate classification (germline): Uncertain significance. Review status: criteria provided, multiple submitters, no conflicts (2 of 4 stars). 2 submissions from 2 submitters: Uncertain significance (2). Last evaluated 2024-10-31.

Conditions:
Hereditary cancer-predisposing syndrome. Also called: Tumor predisposition; Neoplastic Syndromes, Hereditary; Hereditary neoplastic syndrome; Hereditary Cancer Syndrome. Identifiers: Orphanet 140162, MedGen C0027672, MeSH D009386, MONDO:0015356.
Familial cancer of breast. Also called: Hereditary breast cancer; hereditary breast carcinoma; BREAST CANCER, FAMILIAL. Identifiers: Orphanet 227535, MedGen C0346153, MONDO:0016419, OMIM 114480. Disease mechanism: loss of function.

Submissions (2):

Ambry Genetics
Classification: Uncertain significance for Hereditary cancer-predisposing syndrome. Last evaluated: 2024-10-31. Review status: criteria provided, single submitter. Criteria: Ambry Variant Classification Scheme 2023. Collection method: clinical testing. Allele origin: germline.
Comment: The p.G461A variant (also known as c.1382G>C), located in coding exon 5 of the BARD1 gene, results from a G to C substitution at nucleotide position 1382. The glycine at codon 461 is replaced by alanine, an amino acid with similar properties. This amino acid position is conserved. In addition, this alteration is predicted to be deleterious by in silico analysis. Based on the available evidence, the clinical significance of this variant remains unclear.

Labcorp Genetics (formerly Invitae), Labcorp
Classification: Uncertain significance for Familial cancer of breast. Last evaluated: 2024-02-22. Review status: criteria provided, single submitter. Criteria: Invitae Variant Classification Sherloc (09022015). Collection method: clinical testing. Allele origin: germline.
Comment: This sequence change replaces glycine, which is neutral and non-polar, with alanine, which is neutral and non-polar, at codon 461 of the BARD1 protein (p.Gly461Ala). This variant is not present in population databases (gnomAD no frequency). This variant has not been reported in the literature in individuals affected with BARD1-related conditions. An algorithm developed to predict the effect of missense changes on protein structure and function (PolyPhen-2) suggests that this variant is likely to be disruptive. In summary, the available evidence is currently insufficient to determine the role of this variant in disease. Therefore, it has been classified as a Variant of Uncertain Significance.